The following is an entry in ClinVar:

NM_020361.5(CPA6):c.688C>G (p.Leu230Val)

Genes: ARFGEF1-DT (ARFGEF1 divergent transcript; plus strand), CPA6 (carboxypeptidase A6; minus strand). Cytogenetic location: 8q13.2.
Variant type: single nucleotide variant.
Coding change: c.688C>G on transcript NM_020361.5 (MANE Select); coding-DNA position 688, C replaced by G.
Protein change: p.Leu230Val; replaces leucine 230 with valine.
Molecular consequence: missense variant.
Genome position (GRCh38, 1-based): chr8:67,484,738, G>C on the plus strand (C>G on the coding strand, the complement: CPA6 is on the minus strand). VCF-style: chr8-67484738-G-C. GRCh37 (hg19) VCF-style: chr8-68396973-G-C.
Other names: c.688C>G (NM_020361.4); short protein forms L230V.
Identifiers: ClinVar variation 1051585 (VCV001051585.10), dbSNP rs762667453, ClinGen allele CA4772892.

ClinVar aggregate classification (germline): Uncertain significance. Review status: criteria provided, multiple submitters, no conflicts (2 of 4 stars). 2 submissions from 2 submitters: Uncertain significance (2). Last evaluated 2024-10-30.

Conditions:
Febrile seizures, familial, 11 (FEB11). Also called: CONVULSIONS, FAMILIAL FEBRILE, 11. Identifiers: MedGen C3280734, MONDO:0024566, OMIM 614418.

Allele frequency attached by ClinVar (database versions not stated): gnomAD exomes below 0.00001 and 0.00001; ExAC 0.00001.
gnomAD v4.1: 3 of 1,610,940 alleles (0.00019%); highest among the groups gnomAD compares: East Asian, 0.0067%; no homozygotes.

Submissions (2):

Labcorp Genetics (formerly Invitae), Labcorp
Classification: Uncertain significance for Febrile seizures, familial, 11. Last evaluated: 2024-10-30. Review status: criteria provided, single submitter. Criteria: Invitae Variant Classification Sherloc (09022015). Collection method: clinical testing. Allele origin: germline.
Comment: This sequence change replaces leucine, which is neutral and non-polar, with valine, which is neutral and non-polar, at codon 230 of the CPA6 protein (p.Leu230Val). This variant is present in population databases (rs762667453, gnomAD 0.01%). This variant has not been reported in the literature in individuals affected with CPA6-related conditions. ClinVar contains an entry for this variant (Variation ID: 1051585). Invitae Evidence Modeling of protein sequence and biophysical properties (such as structural, functional, and spatial information, amino acid conservation, physicochemical variation, residue mobility, and thermodynamic stability) indicates that this missense variant is not expected to disrupt CPA6 protein function with a negative predictive value of 80%. In summary, the available evidence is currently insufficient to determine the role of this variant in disease. Therefore, it has been classified as a Variant of Uncertain Significance.

Ambry Genetics
Classification: Uncertain significance. Last evaluated: 2022-12-05. Review status: criteria provided, single submitter. Criteria: Ambry Variant Classification Scheme 2023. Collection method: clinical testing. Allele origin: germline.